The following is an entry in ClinVar:

NM_033056.4(PCDH15):c.5771C>T (p.Thr1924Ile)

Gene: PCDH15 (protocadherin related 15; minus strand). Cytogenetic location: 10q21.1.
Variant type: single nucleotide variant.
Coding change: c.5771C>T on transcript NM_033056.4 (MANE Plus Clinical); coding-DNA position 5771, C replaced by T.
Protein change: p.Thr1924Ile; replaces threonine 1924 with isoleucine.
Molecular consequence: missense variant. On other transcripts: intron variant (8).
Genome position (GRCh38, 1-based): chr10:53,821,955, G>A on the plus strand (C>T on the coding strand, the complement: PCDH15 is on the minus strand). VCF-style: chr10-53821955-G-A. GRCh37 (hg19) VCF-style: chr10-55581715-G-A.
Other names: c.5792C>T, p.Thr1931Ile (NM_001142763.2); c.5777C>T, p.Thr1926Ile (NM_001142764.2); c.5564C>T, p.Thr1855Ile (NM_001142765.2); c.5762C>T, p.Thr1921Ile (NM_001142766.2); c.5651C>T, p.Thr1884Ile (NM_001142767.2); c.5711C>T, p.Thr1904Ile (NM_001142768.2); c.5702C>T, p.Thr1901Ile (NM_001142773.2); c.5705C>T, p.Thr1902Ile (NM_001354404.2); and 7 more; short protein forms T1855I, T1901I, T1921I, T1926I, T1902I, T1904I, T1931I, T1884I.
Identifiers: ClinVar variation 1912312 (VCV001912312.4), dbSNP rs2076295613, ClinGen allele CA376524255.
Genomic context (GRCh38, chr10:53,821,955, plus strand): 5'-GTTCCCTCGACAATATTGTTCAAACTCCCCTTGTTTTGTTCAGATGTGATTTCCATATTT[G>A]TTACTTCTGAAGGGCACATAGTTTGAAGTTCTGAAACATTTGTGCGTAGATAGTTTTTTT-3'
Protein context (NP_149045.3, residues 1914-1934): ELQTMCPSEV[Thr1924Ile]NMEITSEQNK

ClinVar aggregate classification (germline): Uncertain significance (1 of 4 stars; one submission).

Submission:

Labcorp Genetics (formerly Invitae), Labcorp
Classification: Uncertain significance. Last evaluated: 2024-11-18. Review status: criteria provided, single submitter. Criteria: Invitae Variant Classification Sherloc (09022015). Collection method: clinical testing. Allele origin: germline.
Comment: This sequence change replaces threonine, which is neutral and polar, with isoleucine, which is neutral and non-polar, at codon 1924 of the PCDH15 protein (p.Thr1924Ile). This variant is not present in population databases (gnomAD no frequency). This variant has not been reported in the literature in individuals affected with PCDH15-related conditions. ClinVar contains an entry for this variant (Variation ID: 1912312). Invitae Evidence Modeling of protein sequence and biophysical properties (such as structural, functional, and spatial information, amino acid conservation, physicochemical variation, residue mobility, and thermodynamic stability) indicates that this missense variant is not expected to disrupt PCDH15 protein function with a negative predictive value of 95%. In summary, the available evidence is currently insufficient to determine the role of this variant in disease. Therefore, it has been classified as a Variant of Uncertain Significance.